The following is an entry in ClinVar:

NM_001430.5(EPAS1):c.2142T>C (p.Tyr714=)

Gene: EPAS1 (endothelial PAS domain protein 1; plus strand). Cytogenetic location: 2p21.
Variant type: single nucleotide variant.
Coding change: c.2142T>C on transcript NM_001430.5 (MANE Select); coding-DNA position 2142, T replaced by C.
Protein change: p.Tyr714=; no amino-acid change (tyrosine 714 retained).
Molecular consequence: synonymous variant.
Genome position (GRCh38, 1-based): chr2:46,381,692, T>C. VCF-style: chr2-46381692-T-C. GRCh37 (hg19) VCF-style: chr2-46608831-T-C.
Identifiers: ClinVar variation 1786609 (VCV001786609.4), dbSNP rs141452072, ClinGen allele CA1645228.

ClinVar aggregate classification (germline): Likely benign. Review status: criteria provided, single submitter (1 of 4 stars). 2 submissions from 2 submitters: Likely benign (1). 1 of the submissions does not count toward it. Last evaluated 2022-02-23.

Conditions:
EPAS1-related disorder. Also called: EPAS1-related condition.
Inborn genetic diseases. Identifiers: MedGen C0950123, MeSH D030342.

Allele frequency attached by ClinVar (database versions not stated): gnomAD exomes 0.00003; ExAC 0.00006; TOPMed 0.00006; gnomAD 0.00007; 1000 Genomes Project 30x 0.00016; 1000 Genomes Project 0.00020; ESP Exome Variant Server 0.00023.
gnomAD v4.1: 54 of 1,613,948 alleles (0.0033%); highest among the groups gnomAD compares: African/African-American, 0.039%; no homozygotes.

Submissions (2):

Ambry Genetics
Classification: Likely benign for Inborn genetic diseases. Last evaluated: 2022-02-23. Review status: criteria provided, single submitter. Criteria: Ambry Variant Classification Scheme 2023. Collection method: clinical testing. Allele origin: germline.

PreventionGenetics, part of Exact Sciences
Classification: Likely benign for EPAS1-related condition. Last evaluated: 2019-08-28. Review status: no assertion criteria provided. Collection method: clinical testing. Allele origin: germline. Not counted in ClinVar's aggregate classification.
Comment: This variant is classified as likely benign based on ACMG/AMP sequence variant interpretation guidelines (Richards et al. 2015 PMID: 25741868, with internal and published modifications).